The following is an entry in ClinVar:

ClinVar aggregate classification (germline): Uncertain significance (1 of 4 stars; one submission).

Submission:

Labcorp Genetics (formerly Invitae), Labcorp
Classification: Uncertain significance. Last evaluated: 2025-11-03. Review status: criteria provided, single submitter. Criteria: Invitae Variant Classification Sherloc (09022015). Collection method: clinical testing. Allele origin: germline.
Comment: This sequence change replaces glutamic acid, which is acidic and polar, with alanine, which is neutral and non-polar, at codon 858 of the PLEKHM2 protein (p.Glu858Ala). This variant is not present in population databases (gnomAD no frequency). This variant has not been reported in the literature in individuals affected with PLEKHM2-related conditions. ClinVar contains an entry for this variant (Variation ID: 2961137). An algorithm developed to predict the effect of missense changes on protein structure and function (PolyPhen-2) suggests that this variant is likely to be disruptive. In summary, the available evidence is currently insufficient to determine the role of this variant in disease. Therefore, it has been classified as a Variant of Uncertain Significance.

NM_015164.4(PLEKHM2):c.2573A>C (p.Glu858Ala)

Gene: PLEKHM2 (pleckstrin homology and RUN domain containing M2; plus strand). Cytogenetic location: 1p36.21.
Variant type: single nucleotide variant.
Coding change: c.2573A>C on transcript NM_015164.4 (MANE Select); coding-DNA position 2573, A replaced by C.
Protein change: p.Glu858Ala; replaces glutamic acid 858 with alanine.
Molecular consequence: missense variant.
Genome position (GRCh38, 1-based): chr1:15,731,996, A>C. VCF-style: chr1-15731996-A-C. GRCh37 (hg19) VCF-style: chr1-16058491-A-C.
Other names: c.2513A>C, p.Glu838Ala (NM_001410755.1); short protein forms E858A, E838A.
Identifiers: ClinVar variation 2961137 (VCV002961137.3), dbSNP rs2522476367, ClinGen allele CA338573765.